The following is an entry in ClinVar:

ClinVar aggregate classification (germline): Uncertain significance (1 of 4 stars; one submission).

Submission:

GeneDx
Classification: Uncertain significance. Last evaluated: 2024-05-24. Review status: criteria provided, single submitter. Criteria: GeneDx Variant Classification Process June 2021. Collection method: clinical testing. Allele origin: germline. Affected: yes.
Comment: Not observed at significant frequency in large population cohorts (gnomAD); In silico analysis supports that this missense variant has a deleterious effect on protein structure/function; Has not been previously published as pathogenic or benign to our knowledge

NM_001326342.2(CELF2):c.1475C>G (p.Ala492Gly)

Genes: CELF2 (CUGBP Elav-like family member 2; plus strand), CELF2-AS1 (CELF2 antisense RNA 1; minus strand). Cytogenetic location: 10p14.
Variant type: single nucleotide variant.
Coding change: c.1475C>G on transcript NM_001326342.2 (MANE Select); coding-DNA position 1475, C replaced by G.
Protein change: p.Ala492Gly; replaces alanine 492 with glycine.
Molecular consequence: missense variant.
Genome position (GRCh38, 1-based): chr10:11,328,962, C>G. VCF-style: chr10-11328962-C-G. GRCh37 (hg19) VCF-style: chr10-11370925-C-G.
Other names: c.1382C>G, p.Ala461Gly (NM_001025076.2, NM_001326318.2, NM_001326320.2 and 6 more transcripts); c.1436C>G, p.Ala479Gly (NM_001025077.3, NM_001326319.2, NM_001326332.2); c.1376C>G, p.Ala459Gly (NM_001083591.1); c.1364C>G, p.Ala455Gly (NM_001326317.2, NM_001326329.2, NM_001326344.2 and 2 more transcripts); c.1406C>G, p.Ala469Gly (NM_001326321.2); c.1424C>G, p.Ala475Gly (NM_001326323.2); c.1529C>G, p.Ala510Gly (NM_001326325.2, NM_001326343.2); c.1472C>G, p.Ala491Gly (NM_001326326.2); and 14 more; short protein forms A251G, A257G, A368G, A374G, A423G, A455G, A459G, A461G.
Identifiers: ClinVar variation 3383589 (VCV003383589.1).